The following is an entry in ClinVar:

ClinVar aggregate classification (germline): Conflicting classifications of pathogenicity. Review status: criteria provided, conflicting classifications (1 of 4 stars). 2 submissions from 2 submitters: Uncertain significance (1); Benign (1). Last evaluated 2026-02-03.

Conditions:
Hereditary cancer-predisposing syndrome. Also called: Hereditary Cancer Syndrome; Neoplastic Syndromes, Hereditary; Tumor predisposition; Hereditary neoplastic syndrome. Identifiers: Orphanet 140162, MedGen C0027672, MeSH D009386, MONDO:0015356.
Fanconi anemia complementation group O. Also called: RAD51C-Related Fanconi Anemia. Identifiers: Orphanet 84, MedGen C3150653, MONDO:0013248, OMIM 613390.

gnomAD v4.1: 3 of 1,612,706 alleles (0.00019%); highest among the groups gnomAD compares: Non-Finnish European, 0.00025%; no homozygotes.

Submissions (2):

Labcorp Genetics (formerly Invitae), Labcorp
Classification: Uncertain significance for Fanconi anemia complementation group O. Last evaluated: 2026-02-03. Review status: criteria provided, single submitter. Criteria: Invitae Variant Classification Sherloc (09022015). Collection method: clinical testing. Allele origin: germline.
Comment: This sequence change replaces aspartic acid, which is acidic and polar, with histidine, which is basic and polar, at codon 318 of the RAD51C protein (p.Asp318His). This variant is not present in population databases (gnomAD no frequency). This variant has not been reported in the literature in individuals affected with RAD51C-related conditions. ClinVar contains an entry for this variant (Variation ID: 232615). Invitae Evidence Modeling of protein sequence and biophysical properties (such as structural, functional, and spatial information, amino acid conservation, physicochemical variation, residue mobility, and thermodynamic stability) indicates that this missense variant is not expected to disrupt RAD51C protein function with a negative predictive value of 80%. In summary, the available evidence is currently insufficient to determine the role of this variant in disease. Therefore, it has been classified as a Variant of Uncertain Significance.

Ambry Genetics
Classification: Benign for Hereditary cancer-predisposing syndrome. Last evaluated: 2025-09-25. Review status: criteria provided, single submitter. Criteria: Ambry Variant Classification Scheme 2023. Collection method: clinical testing. Allele origin: germline.

NM_058216.3(RAD51C):c.952G>C (p.Asp318His)

Gene: RAD51C (RAD51 paralog C; plus strand). Cytogenetic location: 17q22.
Variant type: single nucleotide variant.
Coding change: c.952G>C on transcript NM_058216.3 (MANE Select); coding-DNA position 952, G replaced by C.
Protein change: p.Asp318His; replaces aspartic acid 318 with histidine.
Molecular consequence: missense variant. On other transcripts: non-coding transcript variant (1).
Genome position (GRCh38, 1-based): chr17:58,724,087, G>C. VCF-style: chr17-58724087-G-C. GRCh37 (hg19) VCF-style: chr17-56801448-G-C.
Other names: short protein forms D318H.
Identifiers: ClinVar variation 232615 (VCV000232615.14), dbSNP rs876659875, ClinGen allele CA10580761.